The following is an entry in ClinVar:

NM_001195263.2(PDZD7):c.1113del (p.Thr372fs)

Gene: PDZD7 (PDZ domain containing 7; minus strand). Cytogenetic location: 10q24.31.
Variant type: Deletion.
Coding change: c.1113del on transcript NM_001195263.2 (MANE Select); coding-DNA position 1113, one base deleted (G; older notation c.1113delG).
Protein change: p.Thr372fs; shifts the reading frame from threonine 372.
Molecular consequence: frameshift variant.
Genome position (GRCh38, 1-based): chr10:101,019,033, C deleted on the plus strand (G on the coding strand, the reverse complement: PDZD7 is on the minus strand). VCF-style (leftmost placement, unchanged base first): chr10-101019032-TC-T. GRCh37 (hg19) VCF-style: chr10-102778789-TC-T.
Other names: c.1113del, p.Thr372fs (NM_001351044.2, NM_024895.5); short protein forms T372fs.
Identifiers: ClinVar variation 1335953 (VCV001335953.5), dbSNP rs1280689930, ClinGen allele CA658912490.

ClinVar aggregate classification (germline): Pathogenic/Likely pathogenic. Review status: criteria provided, multiple submitters, no conflicts (2 of 4 stars). 2 submissions from 2 submitters: Pathogenic (1); Likely pathogenic (1). Last evaluated 2023-11-28.

Allele frequency attached by ClinVar (database versions not stated): gnomAD 0.00001; gnomAD exomes 0.00001; TOPMed 0.00001.

Submissions (2):

GeneDx
Classification: Pathogenic. Last evaluated: 2023-11-28. Review status: criteria provided, single submitter. Criteria: GeneDx Variant Classification Process June 2021. Collection method: clinical testing. Allele origin: germline. Affected: yes.
Comment: Frameshift variant predicted to result in protein truncation or nonsense mediated decay in a gene for which loss of function is a known mechanism of disease; Not observed at significant frequency in large population cohorts (gnomAD); Has not been previously published as pathogenic or benign to our knowledge

Genetic Services Laboratory, University of Chicago
Classification: Likely pathogenic. Last evaluated: 2021-11-19. Review status: criteria provided, single submitter. Criteria: ACMG Guidelines, 2015. Collection method: clinical testing. Allele origin: germline. Affected: yes.
Comment: DNA sequence analysis of the PDZD7 gene demonstrated a single base pair deletion in exon 8, c.1113del. This sequence change results in an amino acid frameshift and creates a premature stop codon 67 amino acids downstream of the change, p.Thr372Argfs*67. This sequence change is predicted to result in an abnormal transcript, which may be degraded, or may lead to the production of a truncated PDZD7 protein with potentially abnormal function. The c.1113del sequence change has not been described in the gnomAD population database. This sequence change has not previously been described in individual with PDZD7-related disorder, but other downstream truncating variants have been described in PDZD7-related hearing loss (PMID: 26416264). Collectively this evidence suggests the c.1113del change is likely pathogenic; however functional studies have not been performed to prove this conclusively.